The following is an entry in ClinVar:

NM_000059.4(BRCA2):c.6444_6448del (p.Ile2149fs)

Gene: BRCA2 (BRCA2 DNA repair associated; plus strand). Cytogenetic location: 13q13.1.
Variant type: Deletion.
Coding change: c.6444_6448del on transcript NM_000059.4 (MANE Select); coding-DNA positions 6444 to 6448, 5 bases deleted (TATTA; older notation c.6444_6448delTATTA).
Protein change: p.Ile2149fs; shifts the reading frame from isoleucine 2149.
Molecular consequence: frameshift variant. On other transcripts: non-coding transcript variant (1), intron variant (2).
Genome position (GRCh38, 1-based): chr13:32,340,799-32,340,803, TATTA deleted. VCF-style (leftmost placement, unchanged base first): chr13-32340798-CTATTA-C. GRCh37 (hg19) VCF-style: chr13-32914935-CTATTA-C.
Other names: c.6444_6448del, p.Ile2149fs (NM_001406719.1, NM_001406720.1, NM_001432077.1); c.1910-3759_1910-3755del (NM_001406721.1); c.425-3759_425-3755del (NM_001406722.1); short protein forms I2149fs.
Identifiers: ClinVar variation 4215864 (VCV004215864.1).

ClinVar aggregate classification (germline): Pathogenic (1 of 4 stars; one submission).

Conditions:
Hereditary cancer-predisposing syndrome. Also called: Hereditary Cancer Syndrome; Hereditary neoplastic syndrome; Neoplastic Syndromes, Hereditary; Tumor predisposition. Identifiers: Orphanet 140162, MedGen C0027672, MeSH D009386, MONDO:0015356.

Submission:

Ambry Genetics
Classification: Pathogenic for Hereditary cancer-predisposing syndrome. Last evaluated: 2025-07-29. Review status: criteria provided, single submitter. Criteria: Ambry Variant Classification Scheme 2023. Collection method: clinical testing. Allele origin: germline.
Comment: The c.6444_6448delTATTA pathogenic mutation, located in coding exon 10 of the BRCA2 gene, results from a deletion of 5 nucleotides at nucleotide positions 6444 to 6448, causing a translational frameshift with a predicted alternate stop codon (p.I2149Sfs*25). This variant is considered to be rare based on population cohorts in the Genome Aggregation Database (gnomAD). This alteration is expected to result in loss of function by premature protein truncation or nonsense-mediated mRNA decay. As such, this alteration is interpreted as a disease-causing mutation.